The following is an entry in ClinVar:

NM_144701.3(IL23R):c.579G>T (p.Leu193Phe)

Gene: IL23R (interleukin 23 receptor; plus strand). Cytogenetic location: 1p31.3.
Variant type: single nucleotide variant.
Coding change: c.579G>T on transcript NM_144701.3 (MANE Select); coding-DNA position 579, G replaced by T.
Protein change: p.Leu193Phe; replaces leucine 193 with phenylalanine.
Molecular consequence: missense variant.
Genome position (GRCh38, 1-based): chr1:67,200,824, G>T. VCF-style: chr1-67200824-G-T. GRCh37 (hg19) VCF-style: chr1-67666507-G-T.
Other names: short protein forms L193F.
Identifiers: ClinVar variation 1353573 (VCV001353573.6), dbSNP rs146440064, ClinGen allele CA899758.

ClinVar aggregate classification (germline): Uncertain significance (1 of 4 stars; one submission).

Allele frequency attached by ClinVar (database versions not stated): gnomAD 0.00014 and 0.00019; ESP Exome Variant Server 0.00015; gnomAD exomes 0.00017 and 0.00037; TOPMed 0.00034; ExAC 0.00045; 1000 Genomes Project 30x 0.00078; 1000 Genomes Project 0.00100.
gnomAD v4.1: 289 of 1,614,058 alleles (0.018%); highest among the groups gnomAD compares: Middle Eastern, 0.15%; 1 homozygote.

Submission:

Labcorp Genetics (formerly Invitae), Labcorp
Classification: Uncertain significance. Last evaluated: 2025-12-03. Review status: criteria provided, single submitter. Criteria: Invitae Variant Classification Sherloc (09022015). Collection method: clinical testing. Allele origin: germline.
Comment: This sequence change replaces leucine, which is neutral and non-polar, with phenylalanine, which is neutral and non-polar, at codon 193 of the IL23R protein (p.Leu193Phe). This variant is present in population databases (rs146440064, gnomAD 0.09%), and has an allele count higher than expected for a pathogenic variant. This variant has not been reported in the literature in individuals affected with IL23R-related conditions. ClinVar contains an entry for this variant (Variation ID: 1353573). An algorithm developed to predict the effect of missense changes on protein structure and function (PolyPhen-2) suggests that this variant is likely to be disruptive. Experimental studies have shown that this missense change does not substantially affect IL23R function (PMID: 30578351). In summary, the available evidence is currently insufficient to determine the role of this variant in disease. Therefore, it has been classified as a Variant of Uncertain Significance.

Literature cited by the submitters: PubMed 30578351.